The following is an entry in ClinVar:

NM_004260.4(RECQL4):c.1785G>C (p.Gln595His)

Gene: RECQL4 (RecQ like helicase 4; minus strand). Cytogenetic location: 8q24.3.
Variant type: single nucleotide variant.
Coding change: c.1785G>C on transcript NM_004260.4 (MANE Select); coding-DNA position 1785, G replaced by C.
Protein change: p.Gln595His; replaces glutamine 595 with histidine.
Molecular consequence: missense variant. On other transcripts: non-coding transcript variant (3), intron variant (3).
Genome position (GRCh38, 1-based): chr8:144,514,282, C>G on the plus strand (G>C on the coding strand, the complement: RECQL4 is on the minus strand). VCF-style: chr8-144514282-C-G. GRCh37 (hg19) VCF-style: chr8-145739666-C-G.
Other names: c.1434G>C, p.Gln478His (NM_001413029.1); c.648G>C, p.Gln216His (NM_001413030.1, NM_001413032.1, NM_001413041.1 and 1 more transcripts); c.714G>C, p.Gln238His (NM_001413034.1, NM_001413035.1, NM_001413038.1 and 6 more transcripts); c.1785G>C, p.Gln595His (NM_001413036.1, NM_001413018.1, NM_001413019.1); c.1755G>C, p.Gln585His (NM_001413039.1); c.684G>C, p.Gln228His (NM_001413042.1); c.318G>C, p.Gln106His (NM_001413043.1); c.1705-52G>C (NM_001413033.1); and 4 more; short protein forms Q478H, Q552H, Q585H, Q106H, Q228H, Q238H, Q563H, Q216H.
Identifiers: ClinVar variation 5028095 (VCV005028095.1).

ClinVar aggregate classification (germline): Uncertain significance (1 of 4 stars; one submission).

Conditions:
Inborn genetic diseases. Identifiers: MedGen C0950123, MeSH D030342.

gnomAD v4.1: 1 of 1,611,756 alleles (0.000062%); highest among the groups gnomAD compares: Admixed American, 0.0017%; no homozygotes.

Submission:

Ambry Genetics
Classification: Uncertain significance for Inborn genetic diseases. Last evaluated: 2026-08-02. Review status: criteria provided, single submitter. Criteria: Ambry Variant Classification Scheme 2023. Collection method: clinical testing. Allele origin: germline.
Comment: The p.Q595H variant (also known as c.1785G>C), located in coding exon 11 of the RECQL4 gene, results from a G to C substitution at nucleotide position 1785. The glutamine at codon 595 is replaced by histidine, an amino acid with highly similar properties. This amino acid position is conserved. In addition, this alteration is predicted to be tolerated by in silico analysis. Based on the available evidence, the clinical significance of this variant remains unclear.